The following is an entry in ClinVar:

NM_001166108.2(PALLD):c.1258C>A (p.Gln420Lys)

Gene: PALLD (palladin, cytoskeletal associated protein; plus strand). Cytogenetic location: 4q32.3.
Variant type: single nucleotide variant.
Coding change: c.1258C>A on transcript NM_001166108.2 (MANE Select); coding-DNA position 1258, C replaced by A.
Protein change: p.Gln420Lys; replaces glutamine 420 with lysine.
Molecular consequence: missense variant.
Genome position (GRCh38, 1-based): chr4:168,683,101, C>A. VCF-style: chr4-168683101-C-A. GRCh37 (hg19) VCF-style: chr4-169604252-C-A.
Other names: c.112C>A, p.Gln38Lys (NM_001166109.2); c.1258C>A, p.Gln420Lys (NM_016081.4); short protein forms Q420K, Q38K.
Identifiers: ClinVar variation 3304049 (VCV003304049.1).

ClinVar aggregate classification (germline): Uncertain significance (1 of 4 stars; one submission).

Submission:

Ambry Genetics
Classification: Uncertain significance. Last evaluated: 2024-04-01. Review status: criteria provided, single submitter. Criteria: Ambry Variant Classification Scheme 2023. Collection method: clinical testing. Allele origin: germline.
Comment: The p.Q420K variant (also known as c.1258C>A), located in coding exon 4 of the PALLD gene, results from a C to A substitution at nucleotide position 1258. The glutamine at codon 420 is replaced by lysine, an amino acid with similar properties. This amino acid position is conserved. In addition, this alteration is predicted to be deleterious by in silico analysis. Based on the available evidence, the clinical significance of this alteration remains unclear.